The following is an entry in ClinVar:

NM_020921.4(NIN):c.590C>T (p.Thr197Ile)

Gene: NIN (ninein; minus strand). Cytogenetic location: 14q22.1.
Variant type: single nucleotide variant.
Coding change: c.590C>T on transcript NM_020921.4 (MANE Select); coding-DNA position 590, C replaced by T.
Protein change: p.Thr197Ile; replaces threonine 197 with isoleucine.
Molecular consequence: missense variant.
Genome position (GRCh38, 1-based): chr14:50,777,025, G>A on the plus strand (C>T on the coding strand, the complement: NIN is on the minus strand). VCF-style: chr14-50777025-G-A. GRCh37 (hg19) VCF-style: chr14-51243743-G-A.
Other names: c.590C>T, p.Thr197Ile (NM_016350.5, NM_182944.3, NM_182946.2); short protein forms T197I.
Identifiers: ClinVar variation 2263324 (VCV002263324.4), dbSNP rs764418118, ClinGen allele CA7182409.

ClinVar aggregate classification (germline): Uncertain significance. Review status: criteria provided, multiple submitters, no conflicts (2 of 4 stars). 2 submissions from 2 submitters: Uncertain significance (2). Last evaluated 2024-09-23.

Allele frequency attached by ClinVar (database versions not stated): gnomAD 0.00001; gnomAD exomes 0.00001; ExAC 0.00003.
gnomAD v4.1: 21 of 1,614,096 alleles (0.0013%); highest among the groups gnomAD compares: South Asian, 0.021%; 1 homozygote.

Submissions (2):

Labcorp Genetics (formerly Invitae), Labcorp
Classification: Uncertain significance. Last evaluated: 2024-09-23. Review status: criteria provided, single submitter. Criteria: Invitae Variant Classification Sherloc (09022015). Collection method: clinical testing. Allele origin: germline.
Comment: This sequence change replaces threonine, which is neutral and polar, with isoleucine, which is neutral and non-polar, at codon 197 of the NIN protein (p.Thr197Ile). This variant is present in population databases (rs764418118, gnomAD 0.01%). This variant has not been reported in the literature in individuals affected with NIN-related conditions. ClinVar contains an entry for this variant (Variation ID: 2263324). An algorithm developed to predict the effect of missense changes on protein structure and function (PolyPhen-2) suggests that this variant is likely to be disruptive. In summary, the available evidence is currently insufficient to determine the role of this variant in disease. Therefore, it has been classified as a Variant of Uncertain Significance.

Ambry Genetics
Classification: Uncertain significance. Last evaluated: 2021-12-03. Review status: criteria provided, single submitter. Criteria: Ambry Variant Classification Scheme 2023. Collection method: clinical testing. Allele origin: germline.